The following is an entry in ClinVar:

ClinVar aggregate classification (germline): Uncertain significance (1 of 4 stars; one submission).

Conditions:
CAMTA1-related disorder. Also called: CAMTA1-related condition.

Allele frequency attached by ClinVar (database versions not stated): TOPMed below 0.00001.

Submission:

PreventionGenetics, part of Exact Sciences
Classification: Uncertain significance for CAMTA1-related condition. Last evaluated: 2022-09-01. Review status: criteria provided, single submitter. Criteria: ACMG Guidelines, 2015. Collection method: clinical testing. Allele origin: germline.
Comment: The CAMTA1 c.3427C>A variant is predicted to result in the amino acid substitution p.Leu1143Ile. To our knowledge, this variant has not been reported in the literature or in a large population database, indicating this variant is rare. At this time, the clinical significance of this variant is uncertain due to the absence of conclusive functional and genetic evidence.

NM_015215.4(CAMTA1):c.3427C>A (p.Leu1143Ile)

Gene: CAMTA1 (calmodulin binding transcription activator 1; plus strand). Cytogenetic location: 1p36.23.
Variant type: single nucleotide variant.
Coding change: c.3427C>A on transcript NM_015215.4 (MANE Select); coding-DNA position 3427, C replaced by A.
Protein change: p.Leu1143Ile; replaces leucine 1143 with isoleucine.
Molecular consequence: missense variant.
Genome position (GRCh38, 1-based): chr1:7,737,339, C>A. VCF-style: chr1-7737339-C-A. GRCh37 (hg19) VCF-style: chr1-7797399-C-A.
Other names: c.3337C>A, p.Leu1113Ile (NM_001349608.2, NM_001349612.2); c.3427C>A, p.Leu1143Ile (NM_001349609.2, NM_001349610.2, NM_001410737.1); c.556C>A, p.Leu186Ile (NM_001349613.1); c.499C>A, p.Leu167Ile (NM_001349614.1, NM_001349615.2, NM_001349616.2 and 10 more transcripts); c.3355C>A, p.Leu1119Ile (NM_001410738.1); short protein forms L1113I, L1119I, L1143I, L167I, L186I.
Identifiers: ClinVar variation 2629126 (VCV002629126.1), dbSNP rs993259614, ClinGen allele CA17230512.